The following is an entry in ClinVar:

NM_004370.6(COL12A1):c.506C>T (p.Ala169Val)

Gene: COL12A1 (collagen type XII alpha 1 chain; minus strand). Cytogenetic location: 6q13.
Variant type: single nucleotide variant.
Coding change: c.506C>T on transcript NM_004370.6 (MANE Select); coding-DNA position 506, C replaced by T.
Protein change: p.Ala169Val; replaces alanine 169 with valine.
Molecular consequence: missense variant. On other transcripts: intron variant (1).
Genome position (GRCh38, 1-based): chr6:75,189,704, G>A on the plus strand (C>T on the coding strand, the complement: COL12A1 is on the minus strand). VCF-style: chr6-75189704-G-A. GRCh37 (hg19) VCF-style: chr6-75899420-G-A.
Other names: c.73+13016C>T (NM_080645.3); short protein forms A169V.
Identifiers: ClinVar variation 2480286 (VCV002480286.5), dbSNP rs1236271706, ClinGen allele CA364729240.

ClinVar aggregate classification (germline): Uncertain significance. Review status: criteria provided, multiple submitters, no conflicts (2 of 4 stars). 3 submissions from 3 submitters: Uncertain significance (3). Last evaluated 2024-10-22.

Conditions:
Bethlem myopathy 2 (BTHLM2). Identifiers: Orphanet 536516, Orphanet 610, MedGen C4225313, MONDO:0034022, OMIM 616471.
Ullrich congenital muscular dystrophy 2 (UCMD2). Identifiers: Orphanet 75840, MedGen C4225314, MONDO:0014654, OMIM 616470.
Inborn genetic diseases. Identifiers: MedGen C0950123, MeSH D030342.

Allele frequency attached by ClinVar (database versions not stated): gnomAD exomes below 0.00001; TOPMed below 0.00001; gnomAD 0.00001.
gnomAD v4.1: 4 of 1,613,296 alleles (0.00025%); highest among the groups gnomAD compares: Non-Finnish European, 0.00034%; no homozygotes.

Submissions (3):

Labcorp Genetics (formerly Invitae), Labcorp
Classification: Uncertain significance for Bethlem myopathy 2; Ullrich congenital muscular dystrophy 2. Last evaluated: 2024-10-22. Review status: criteria provided, single submitter. Criteria: Invitae Variant Classification Sherloc (09022015). Collection method: clinical testing. Allele origin: germline.
Comment: This sequence change replaces alanine, which is neutral and non-polar, with valine, which is neutral and non-polar, at codon 169 of the COL12A1 protein (p.Ala169Val). This variant is present in population databases (no rsID available, gnomAD 0.007%). This variant has not been reported in the literature in individuals affected with COL12A1-related conditions. ClinVar contains an entry for this variant (Variation ID: 2480286). Invitae Evidence Modeling of protein sequence and biophysical properties (such as structural, functional, and spatial information, amino acid conservation, physicochemical variation, residue mobility, and thermodynamic stability) has been performed for this missense variant. However, the output from this modeling did not meet the statistical confidence thresholds required to predict the impact of this variant on COL12A1 protein function. In summary, the available evidence is currently insufficient to determine the role of this variant in disease. Therefore, it has been classified as a Variant of Uncertain Significance.

GeneDx
Classification: Uncertain significance. Last evaluated: 2024-07-03. Review status: criteria provided, single submitter. Criteria: GeneDx Variant Classification Process June 2021. Collection method: clinical testing. Allele origin: germline. Affected: yes.
Comment: In silico analysis indicates that this missense variant does not alter protein structure/function; Has not been previously published as pathogenic or benign to our knowledge

Ambry Genetics
Classification: Uncertain significance for Inborn genetic diseases. Last evaluated: 2023-02-01. Review status: criteria provided, single submitter. Criteria: Ambry Variant Classification Scheme 2023. Collection method: clinical testing. Allele origin: germline.